The following is an entry in ClinVar:

NM_130839.5(UBE3A):c.1541dup (p.Gln515fs)

Genes: SNHG14 (small nucleolar RNA host gene 14; plus strand), UBE3A (ubiquitin protein ligase E3A; minus strand). Cytogenetic location: 15q11.2.
Variant type: Duplication.
Coding change: c.1541dup on transcript NM_130839.5 (MANE Select); coding-DNA position 1541, one base duplicated (A; older notation c.1541dupA).
Protein change: p.Gln515fs; shifts the reading frame from glutamine 515.
Molecular consequence: frameshift variant. On other transcripts: non-coding transcript variant (1), intron variant (2).
Genome position (GRCh38, 1-based): chr15:25,370,633, T duplicated on the plus strand (A on the coding strand, the reverse complement: UBE3A is on the minus strand). VCF-style (leftmost placement, unchanged base first): chr15-25370632-C-CT. GRCh37 (hg19) VCF-style: chr15-25615779-C-CT.
Other names: c.1550dup, p.Gln518fs (NM_000462.5); c.1541dup, p.Gln515fs (NM_001354505.1, NM_001354538.2, NM_001354545.2); c.1481dup, p.Gln495fs (NM_001354506.2, NM_001354507.2, NM_001354508.2 and 17 more transcripts); c.1364dup, p.Gln456fs (NM_001354546.2); c.301+4832dup (NM_001354551.2); c.361+4832dup (NM_001354550.2); short protein forms Q518fs, Q456fs, Q495fs, Q515fs.
Identifiers: ClinVar variation 423094 (VCV000423094.2), dbSNP rs1064796224, ClinGen allele CA16619908.

ClinVar aggregate classification (germline): Pathogenic (1 of 4 stars; one submission).

Submission:

GeneDx
Classification: Pathogenic. Last evaluated: 2017-01-24. Review status: criteria provided, single submitter. Criteria: GeneDx Variant Classification (06012015). Collection method: clinical testing. Allele origin: germline. Affected: yes.
Comment: The c.1481dupA pathogenic variant in the UBE3A gene causes a frameshift starting with codon Glutamine 495, changes this amino acid to an Alanine residue and creates a premature Stop codon at position 11 of the new reading frame, denoted p.Gln495AlafsX11. This pathogenic variant is predicted to cause loss of normal protein function either through protein truncation or nonsense-mediated mRNA decay. It is not observed in large population cohorts (Lek et al., 2016; 1000 Genomes Consortium et al., 2015; Exome Variant Server). Many other frameshift and loss of function variants have been reported in the Human Gene Mutation Database in association with Angelman syndrome (Stenson et al., 2014).